The following is an entry in ClinVar:

NM_003072.5(SMARCA4):c.808C>T (p.Pro270Ser)

Gene: SMARCA4 (SWI/SNF related BAF chromatin remodeling complex subunit ATPase 4; plus strand). Cytogenetic location: 19p13.2.
Variant type: single nucleotide variant.
Coding change: c.808C>T on transcript NM_003072.5 (MANE Select); coding-DNA position 808, C replaced by T.
Protein change: p.Pro270Ser; replaces proline 270 with serine.
Molecular consequence: missense variant. On other transcripts: non-coding transcript variant (1).
Genome position (GRCh38, 1-based): chr19:10,986,952, C>T. VCF-style: chr19-10986952-C-T. GRCh37 (hg19) VCF-style: chr19-11097628-C-T.
Other names: c.808C>T, p.Pro270Ser (NM_001128844.3, NM_001128845.2, NM_001128846.2 and 5 more transcripts); short protein forms P270S.
Identifiers: ClinVar variation 663681 (VCV000663681.11), dbSNP rs1599957743, ClinGen allele CA404058005.

ClinVar aggregate classification (germline): Uncertain significance. Review status: criteria provided, multiple submitters, no conflicts (2 of 4 stars). 2 submissions from 2 submitters: Uncertain significance (2). Last evaluated 2025-07-07.

Conditions:
Rhabdoid tumor predisposition syndrome 2 (RTPS2). Identifiers: Orphanet 231108, Orphanet 69077, MedGen C2750074, MONDO:0013224, OMIM 613325.
Hereditary cancer-predisposing syndrome. Also called: Neoplastic Syndromes, Hereditary; Tumor predisposition; Hereditary neoplastic syndrome; Hereditary Cancer Syndrome. Identifiers: Orphanet 140162, MedGen C0027672, MeSH D009386, MONDO:0015356.

Allele frequency attached by ClinVar (database versions not stated): gnomAD exomes below 0.00001.
gnomAD v4.1: 1 of 1,610,906 alleles (0.000062%); highest among the groups gnomAD compares: Non-Finnish European, 0.000085%; no homozygotes.

Submissions (2):

Labcorp Genetics (formerly Invitae), Labcorp
Classification: Uncertain significance for Rhabdoid tumor predisposition syndrome 2. Last evaluated: 2025-07-07. Review status: criteria provided, single submitter. Criteria: Invitae Variant Classification Sherloc (09022015). Collection method: clinical testing. Allele origin: germline.
Comment: This sequence change replaces proline, which is neutral and non-polar, with serine, which is neutral and polar, at codon 270 of the SMARCA4 protein (p.Pro270Ser). This variant is not present in population databases (gnomAD no frequency). This variant has not been reported in the literature in individuals affected with SMARCA4-related conditions. ClinVar contains an entry for this variant (Variation ID: 663681). An algorithm developed to predict the effect of missense changes on protein structure and function (PolyPhen-2) suggests that this variant is likely to be tolerated. In summary, the available evidence is currently insufficient to determine the role of this variant in disease. Therefore, it has been classified as a Variant of Uncertain Significance.

Ambry Genetics
Classification: Uncertain significance for Hereditary cancer-predisposing syndrome. Last evaluated: 2024-01-24. Review status: criteria provided, single submitter. Criteria: Ambry Variant Classification Scheme 2023. Collection method: clinical testing. Allele origin: germline.
Comment: The p.P270S variant (also known as c.808C>T), located in coding exon 4 of the SMARCA4 gene, results from a C to T substitution at nucleotide position 808. The proline at codon 270 is replaced by serine, an amino acid with similar properties. This amino acid position is well conserved in available vertebrate species. In addition, this alteration is predicted to be tolerated by in silico analysis. Based on the available evidence, the clinical significance of this alteration remains unclear.